The following is an entry in ClinVar:

ClinVar aggregate classification (germline): Uncertain significance (1 of 4 stars; one submission).

Conditions:
Familial cancer of breast. Also called: Hereditary breast cancer; hereditary breast carcinoma; BREAST CANCER, FAMILIAL. Identifiers: Orphanet 227535, MedGen C0346153, MONDO:0016419, OMIM 114480. Disease mechanism: loss of function.

Submission:

Labcorp Genetics (formerly Invitae), Labcorp
Classification: Uncertain significance for Familial cancer of breast. Last evaluated: 2021-03-10. Review status: criteria provided, single submitter. Criteria: Invitae Variant Classification Sherloc (09022015). Collection method: clinical testing. Allele origin: germline.
Comment: This variant, c.865_876del, results in the deletion of 4 amino acid(s) of the CHEK2 protein (p.Lys289_Phe292del), but otherwise preserves the integrity of the reading frame. This variant is not present in population databases (ExAC no frequency). This variant has not been reported in the literature in individuals with CHEK2-related conditions. Experimental studies and prediction algorithms are not available or were not evaluated, and the functional significance of this variant is currently unknown. In summary, the available evidence is currently insufficient to determine the role of this variant in disease. Therefore, it has been classified as a Variant of Uncertain Significance.

NM_007194.4(CHEK2):c.865_876del (p.Lys289_Phe292del)

Gene: CHEK2 (checkpoint kinase 2; minus strand). Cytogenetic location: 22q12.1.
Variant type: Deletion.
Coding change: c.865_876del on transcript NM_007194.4 (MANE Select); coding-DNA positions 865 to 876, 12 bases deleted (AAAAACTTTTTT).
Protein change: p.Lys289_Phe292del.
Molecular consequence: inframe deletion. On other transcripts: inframe indel (4).
Genome position (GRCh38, 1-based): chr22:28,703,537-28,703,548, AAAAAAGTTTTT deleted on the plus strand (AAAAACTTTTTT on the coding strand, the reverse complement: CHEK2 is on the minus strand); deleting any 12 consecutive bases within chr22:28,703,537-28,703,550 gives the same sequence; the c. name uses the placement nearest the transcript's 3' end. VCF-style (leftmost placement, unchanged base first): chr22-28703536-CAAAAAAGTTTTT-C. GRCh37 (hg19) VCF-style: chr22-29099524-CAAAAAAGTTTTT-C.
Other names: c.863_874delTTAAAAACTTTT, p.Lys289_Phe292del (NM_145862.3); c.992_1003delTTAAAAACTTTT, p.Lys332_Phe335del (NM_001005735.3); c.200_211delTTAAAAACTTTT, p.Lys68_Phe71del (NM_001257387.3); c.662_673delTTAAAAACTTTT, p.Lys222_Phe225del (NM_001349956.3).
Identifiers: ClinVar variation 1515814 (VCV001515814.9), dbSNP rs2145877927, ClinGen allele CA2573158049.
Genomic context (GRCh38, chr22:28,703,536, plus strand): 5'-CAGAAATTTTTAAAAAGTTTACTACTTACAATTCCAAAACAATATAATAATCTTCTGCAT[CAAAAAAGTTTTT>C]AATCTTGATGATGCAAGGCTAAGAAGAGGGGGAGAAAAAAGGGAAAGTAGTGAGAAACTC-3'